The following is an entry in ClinVar:

NM_014679.5(CEP57):c.1163C>T (p.Ser388Leu)

Gene: CEP57 (centrosomal protein 57; plus strand). Cytogenetic location: 11q21.
Variant type: single nucleotide variant.
Coding change: c.1163C>T on transcript NM_014679.5 (MANE Select); coding-DNA position 1163, C replaced by T.
Protein change: p.Ser388Leu; replaces serine 388 with leucine.
Molecular consequence: missense variant.
Genome position (GRCh38, 1-based): chr11:95,829,222, C>T. VCF-style: chr11-95829222-C-T. GRCh37 (hg19) VCF-style: chr11-95562386-C-T.
Other names: c.1163C>T (NM_014679.4); c.1136C>T, p.Ser379Leu (NM_001243776.2); c.1085C>T, p.Ser362Leu (NM_001243777.2); c.1082C>T, p.Ser361Leu (NM_001363604.2); short protein forms S361L, S362L, S379L, S388L.
Identifiers: ClinVar variation 1054060 (VCV001054060.10), dbSNP rs778871999, ClinGen allele CA6239724.

ClinVar aggregate classification (germline): Uncertain significance. Review status: criteria provided, multiple submitters, no conflicts (2 of 4 stars). 2 submissions from 2 submitters: Uncertain significance (2). Last evaluated 2024-11-25.

Conditions:
Mosaic variegated aneuploidy syndrome 2 (MVA2). Identifiers: Orphanet 1052, MedGen C3279843, MONDO:0013582, OMIM 614114.
Inborn genetic diseases. Identifiers: MedGen C0950123, MeSH D030342.

Allele frequency attached by ClinVar (database versions not stated): ExAC 0.00001.
gnomAD v4.1: 3 of 1,613,940 alleles (0.00019%); highest among the groups gnomAD compares: African/African-American, 0.0013%; no homozygotes.

Submissions (2):

Ambry Genetics
Classification: Uncertain significance for Inborn genetic diseases. Last evaluated: 2024-11-25. Review status: criteria provided, single submitter. Criteria: Ambry Variant Classification Scheme 2023. Collection method: clinical testing. Allele origin: germline.
Comment: The p.S388L variant (also known as c.1163C>T), located in coding exon 10 of the CEP57 gene, results from a C to T substitution at nucleotide position 1163. The serine at codon 388 is replaced by leucine, an amino acid with dissimilar properties. This amino acid position is conserved. In addition, this alteration is predicted to be tolerated by in silico analysis. Based on the available evidence, the clinical significance of this variant remains unclear.

Labcorp Genetics (formerly Invitae), Labcorp
Classification: Uncertain significance for Mosaic variegated aneuploidy syndrome 2. Last evaluated: 2020-03-05. Review status: criteria provided, single submitter. Criteria: Invitae Variant Classification Sherloc (09022015). Collection method: clinical testing. Allele origin: germline.
Comment: In summary, the available evidence is currently insufficient to determine the role of this variant in disease. Therefore, it has been classified as a Variant of Uncertain Significance. Algorithms developed to predict the effect of missense changes on protein structure and function are either unavailable or do not agree on the potential impact of this missense change (SIFT: "Deleterious"; PolyPhen-2: "Probably Damaging"; Align-GVGD: "Class C15"). This variant has not been reported in the literature in individuals with CEP57-related conditions. This variant is present in population databases (rs778871999, ExAC 0.001%). This sequence change replaces serine with leucine at codon 388 of the CEP57 protein (p.Ser388Leu). The serine residue is highly conserved and there is a large physicochemical difference between serine and leucine.